The following is an entry in ClinVar:

ClinVar aggregate classification (germline): Likely benign (1 of 4 stars; one submission).

Allele frequency attached by ClinVar (database versions not stated): ESP Exome Variant Server 0.00008.
gnomAD v4.1: 59 of 1,613,732 alleles (0.0037%); highest among the groups gnomAD compares: Non-Finnish European, 0.005%; no homozygotes.

Submission:

CeGaT Center for Human Genetics Tuebingen
Classification: Likely benign. Last evaluated: 2022-07-01. Review status: criteria provided, single submitter. Criteria: CeGaT Center For Human Genetics Tuebingen Variant Classification Criteria Version 2. Collection method: clinical testing. Allele origin: germline. Affected: yes. Observed: 2 variant alleles.
Comment: MAPK8IP3: BP4, BP7

NM_001318852.2(MAPK8IP3):c.828G>T (p.Thr276=)

Gene: MAPK8IP3 (mitogen-activated protein kinase 8 interacting protein 3; plus strand). Cytogenetic location: 16p13.3.
Variant type: single nucleotide variant.
Coding change: c.828G>T on transcript NM_001318852.2 (MANE Select); coding-DNA position 828, G replaced by T.
Protein change: p.Thr276=; no amino-acid change (threonine 276 retained).
Molecular consequence: synonymous variant.
Genome position (GRCh38, 1-based): chr16:1,747,109, G>T. VCF-style: chr16-1747109-G-T. GRCh37 (hg19) VCF-style: chr16-1797110-G-T.
Other names: c.825G>T, p.Thr275= (NM_001040439.2, NM_015133.5, NM_033392.3).
Identifiers: ClinVar variation 1694769 (VCV001694769.31), dbSNP rs369212166, ClinGen allele CA7816507.